The following is an entry in ClinVar:

ClinVar aggregate classification (germline): Uncertain significance (1 of 4 stars; one submission).

Conditions:
Cardiovascular phenotype. Identifiers: MedGen CN230736.
Hereditary cancer-predisposing syndrome. Also called: Tumor predisposition; Neoplastic Syndromes, Hereditary; Hereditary Cancer Syndrome; Hereditary neoplastic syndrome. Identifiers: Orphanet 140162, MedGen C0027672, MeSH D009386, MONDO:0015356.

Submission:

Ambry Genetics
Classification: Uncertain significance for Cardiovascular phenotype; Hereditary cancer-predisposing syndrome. Last evaluated: 2024-12-20. Review status: criteria provided, single submitter. Criteria: Ambry Variant Classification Scheme 2023. Collection method: clinical testing. Allele origin: germline.
Comment: The p.V880E variant (also known as c.2639T>A), located in coding exon 21 of the NF1 gene, results from a T to A substitution at nucleotide position 2639. The valine at codon 880 is replaced by glutamic acid, an amino acid with dissimilar properties. This amino acid position is conserved. In addition, the in silico prediction for this alteration is inconclusive. Based on the available evidence, the clinical significance of this variant remains unclear.

NM_001042492.3(NF1):c.2639T>A (p.Val880Glu)

Gene: NF1 (neurofibromin 1; plus strand). Cytogenetic location: 17q11.2.
Variant type: single nucleotide variant.
Coding change: c.2639T>A on transcript NM_001042492.3 (MANE Select); coding-DNA position 2639, T replaced by A.
Protein change: p.Val880Glu; replaces valine 880 with glutamic acid.
Molecular consequence: missense variant.
Genome position (GRCh38, 1-based): chr17:31,229,254, T>A. VCF-style: chr17-31229254-T-A. GRCh37 (hg19) VCF-style: chr17-29556272-T-A.
Other names: c.2639T>A, p.Val880Glu (NM_000267.4); short protein forms V880E.
Identifiers: ClinVar variation 3879013 (VCV003879013.1).